The following is an entry in ClinVar:

NM_000344.4(SMN1):c.835-17C>T

Gene: SMN1 (survival of motor neuron 1, telomeric). Cytogenetic location: 5q13.2.
Variant type: single nucleotide variant.
Coding change: c.835-17C>T on transcript NM_000344.4 (MANE Select); 17 bases into the intron before coding-DNA position 835, C replaced by T.
Molecular consequence: intron variant.
Genome position (GRCh38, 1-based): chr5:70,951,924, C>T. VCF-style: chr5-70951924-C-T. GRCh37 (hg19) VCF-style: chr5-70247751-C-T.
Other names: c.835-515C>T (NM_001297715.1); c.739-17C>T (NM_022874.2).
Identifiers: ClinVar variation 987862 (VCV000987862.1), dbSNP rs1749768663, ClinGen allele CA1139658879.

ClinVar aggregate classification (germline): Uncertain significance (1 of 4 stars; one submission).

Submission:

Women's Health and Genetics/Laboratory Corporation of America, LabCorp
Classification: Uncertain significance. Last evaluated: 2020-11-27. Review status: criteria provided, single submitter. Criteria: LabCorp Variant Classification Summary - May 2015. Collection method: clinical testing. Allele origin: germline.
Comment: Variant summary: SMN1 c.835-17C>T alters a non-conserved nucleotide located close to a canonical splice site and therefore could affect mRNA splicing, leading to a significantly altered protein sequence. 4/4 computational tools predict no significant impact on normal splicing. However, these predictions have yet to be confirmed by functional studies. The variant was absent in 247818 control chromosomes (gnomAD). The available data on variant occurrences in the general population are insufficient to allow any conclusion about variant significance. To our knowledge, no occurrence of c.835-17C>T in individuals affected with Spinal Muscular Atrophy and no experimental evidence demonstrating its impact on protein function have been reported. No clinical diagnostic laboratories have submitted clinical-significance assessments for this variant to ClinVar after 2014. Based on the evidence outlined above, the variant was classified as uncertain significance.